The following is an entry in ClinVar:

ClinVar aggregate classification (germline): Uncertain significance (1 of 4 stars; one submission).

Submission:

GeneDx
Classification: Uncertain significance. Last evaluated: 2021-05-25. Review status: criteria provided, single submitter. Criteria: GeneDx Variant Classification Process June 2021. Collection method: clinical testing. Allele origin: germline. Affected: yes.
Comment: Has not been previously published as pathogenic or benign to our knowledge; Not observed at significant frequency in large population cohorts (Lek et al., 2016); In-silico analysis, which includes splice predictors and evolutionary conservation, is inconclusive as to whether the variant alters gene splicing. In the absence of RNA/functional studies, the actual effect of this sequence change is unknown.

NM_001134831.2(AHI1):c.931+5G>A

Gene: AHI1 (Abelson helper integration site 1; minus strand). Cytogenetic location: 6q23.3.
Variant type: single nucleotide variant.
Coding change: c.931+5G>A on transcript NM_001134831.2 (MANE Select); 5 bases into the intron after coding-DNA position 931, G replaced by A.
Molecular consequence: intron variant.
Genome position (GRCh38, 1-based): chr6:135,463,120, C>T on the plus strand (G>A on the coding strand, the complement: AHI1 is on the minus strand). VCF-style: chr6-135463120-C-T. GRCh37 (hg19) VCF-style: chr6-135784258-C-T.
Other names: c.931+5G>A (NM_001134830.2, NM_001350503.2, NM_017651.5 and 2 more transcripts).
Identifiers: ClinVar variation 1327911 (VCV001327911.2), dbSNP rs1216222889, ClinGen allele CA2573052605.